The following is an entry in ClinVar:

NM_000543.5(SMPD1):c.277A>G (p.Ile93Val)

Gene: SMPD1 (sphingomyelin phosphodiesterase 1; plus strand). Cytogenetic location: 11p15.4.
Variant type: single nucleotide variant.
Coding change: c.277A>G on transcript NM_000543.5 (MANE Select); coding-DNA position 277, A replaced by G.
Protein change: p.Ile93Val; replaces isoleucine 93 with valine.
Molecular consequence: missense variant. On other transcripts: 5 prime UTR variant (1), non-coding transcript variant (2).
Genome position (GRCh38, 1-based): chr11:6,390,875, A>G. VCF-style: chr11-6390875-A-G. GRCh37 (hg19) VCF-style: chr11-6412105-A-G.
Other names: c.277A>G, p.Ile93Val (NM_001007593.3, NM_001318087.2, NM_001365135.2); c.-685A>G (NM_001318088.2); short protein forms I93V.
Identifiers: ClinVar variation 1485384 (VCV001485384.6), dbSNP rs913533196, ClinGen allele CA217299115.

ClinVar aggregate classification (germline): Uncertain significance (1 of 4 stars; one submission).

Conditions:
Niemann-Pick disease, type A. Also called: SPHINGOMYELIN LIPIDOSIS; SPHINGOMYELINASE DEFICIENCY; Infantile Neurovisceral ASMD (Niemann-Pick Disease Type A; NPD-A). Identifiers: Orphanet 77292, MedGen C0268242, MONDO:0009756, OMIM 257200. Disease mechanism: loss of function.
Niemann-Pick disease, type B. Also called: Chronic Visceral ASMD (Niemann-Pick Disease Type B; NPD-B). Identifiers: Orphanet 77293, MedGen C0268243, MONDO:0011871, OMIM 607616. Disease mechanism: loss of function.

Allele frequency attached by ClinVar (database versions not stated): gnomAD exomes below 0.00001; TOPMed 0.00001.
gnomAD v4.1: 3 of 1,613,992 alleles (0.00019%); highest among the groups gnomAD compares: African/African-American, 0.0013%; no homozygotes.

Submission:

Labcorp Genetics (formerly Invitae), Labcorp
Classification: Uncertain significance for Niemann-Pick disease, type B; Niemann-Pick disease, type A. Last evaluated: 2025-06-14. Review status: criteria provided, single submitter. Criteria: Invitae Variant Classification Sherloc (09022015). Collection method: clinical testing. Allele origin: germline.
Comment: This sequence change replaces isoleucine, which is neutral and non-polar, with valine, which is neutral and non-polar, at codon 93 of the SMPD1 protein (p.Ile93Val). This variant is present in population databases (no rsID available, gnomAD 0.003%). This variant has not been reported in the literature in individuals affected with SMPD1-related conditions. ClinVar contains an entry for this variant (Variation ID: 1485384). Invitae Evidence Modeling of protein sequence and biophysical properties (such as structural, functional, and spatial information, amino acid conservation, physicochemical variation, residue mobility, and thermodynamic stability) indicates that this missense variant is not expected to disrupt SMPD1 protein function with a negative predictive value of 80%. In summary, the available evidence is currently insufficient to determine the role of this variant in disease. Therefore, it has been classified as a Variant of Uncertain Significance.